The following is an entry in ClinVar:

NM_000518.5(HBB):c.-137C>A

Genes: HBB (hemoglobin subunit beta; minus strand), LOC106099062 (HBB recombination region; plus strand), LOC107133510 (origin of replication at HBB; plus strand). Cytogenetic location: 11p15.4.
Variant type: single nucleotide variant.
Coding change: c.-137C>A on transcript NM_000518.5 (MANE Select); 137 bases upstream of the start codon, C replaced by A.
Genome position (GRCh38, 1-based): chr11:5,227,158, G>T on the plus strand (C>A on the coding strand, the complement: HBB is on the minus strand). VCF-style: chr11-5227158-G-T. GRCh37 (hg19) VCF-style: chr11-5248388-G-T.
Other names: -87 (C->A) beta+; -87C>A.
Identifiers: ClinVar variation 36285 (VCV000036285.36), dbSNP rs33941377, ClinGen allele CA213883.
Genomic context (GRCh38, chr11:5,227,158, plus strand): 5'-TTTATGCCCAGCCCTGGCTCCTGCCCTCCCTGCTCCTGGGAGTAGATTGGCCAACCCTAG[G>T]GTGTGGCTCCACAGGGTGAGGTCTAAGTGATGACAGCCGTACCTGTCCTTGGCTCTTCTG-3'

ClinVar aggregate classification (germline): Pathogenic/Likely pathogenic. Review status: criteria provided, multiple submitters, no conflicts (2 of 4 stars). 11 submissions from 10 submitters: Pathogenic (8); Likely pathogenic (1). 2 of the submissions do not count toward it. Last evaluated 2025-08-11.

Conditions:
Hb SS disease (SCD). Also called: Hemoglobin SS; Sickle cell anemia; Sickle cell disease; HbS disease; Hemoglobin S Disease; Sickling disorder due to hemoglobin S. Identifiers: Orphanet 232, Orphanet 275752, MedGen C0002895, MONDO:0011382, OMIM 603903.
Heinz body anemia. Also called: Heinz body hemolytic anemia. Identifiers: Orphanet 178330, MedGen C0700299, MONDO:0007705, OMIM 140700, HP:0005511.
Dominant beta-thalassemia. Also called: Beta-thalassemia, dominant inclusion body type. Identifiers: Orphanet 231226, Orphanet 848, MedGen C1858990, MONDO:0011381, OMIM 603902.
Beta-thalassemia HBB/LCRB. Identifiers: MedGen CN322236, MONDO:0013517, OMIM 613985.
Erythrocytosis, familial, 6. Also called: POLYCYTHEMIA, BETA-GLOBIN TYPE; ERYTHROCYTOSIS, BETA-GLOBIN TYPE. Identifiers: MedGen C4693822, MONDO:0054801, OMIM 617980.
METHEMOGLOBINEMIA, BETA TYPE. Also called: Methemoglobinemia, beta-globin type. Identifiers: MedGen C1840779, OMIM 617971.
Malaria, susceptibility to. Identifiers: Orphanet 673, MedGen C1970028, MONDO:0021024, OMIM 611162.
Hereditary persistence of fetal hemoglobin. Identifiers: MedGen C0019025, MONDO:0020989, OMIM 141749.
beta Thalassemia (BTHAL). Also called: Cooley's anemia; Erythroblastic anemia; Mediterranean anemia. Identifiers: Orphanet 848, MedGen C0005283, MONDO:0019402. Disease mechanism: loss of function.
alpha Thalassemia. Also called: Alpha thalassemia spectrum. Identifiers: Orphanet 846, MedGen C0002312, MONDO:0011399, OMIM 604131.
Fetal hemoglobin quantitative trait locus 1 (HBFQTL1). Identifiers: Orphanet 251380, MedGen C1841621.
Beta thalassemia intermedia (BTHAL-ITMD). Identifiers: Orphanet 231222, MedGen C0472767, MONDO:0016487.

Allele frequency attached by ClinVar (database versions not stated): TOPMed 0.00002; gnomAD 0.00004.

Submissions (11):

Natera, Inc.
Classification: Likely pathogenic for Beta thalassemia. Last evaluated: 2025-08-11. Review status: criteria provided, single submitter. Criteria: Natera Variant Classification Schema (03/2026). Collection method: clinical testing. Allele origin: germline.
Comment: The c.-137C>A variant in HBB is a 5' untranslated region (UTR) variant located upstream of the translation start codon. This variant is rare in the general population with a frequency below the threshold expected for the associated phenotype(s). This variant has been observed in one or more individuals affected with the associated recessive disease, as either homozygous or compound heterozygous with a second variant (PMID: 1428943, 24828949, 12779270). Given the available evidence, this variant is classified as Likely Pathogenic.

ARUP Laboratories, Molecular Genetics and Genomics, ARUP Laboratories
Classification: Pathogenic. Last evaluated: 2025-05-12. Review status: criteria provided, single submitter. Criteria: ARUP Molecular Germline Variant Investigation Process 2024. Collection method: clinical testing. Allele origin: germline.
Comment: The HBB c.-137C>A variant (rs33941377; HbVar ID 757), also known as -87C>A, is reported in the literature as a mild beta(+) thalassemia variant and is reported in several individuals with beta thalassemia intermedia (Coleman 1992, Danjou 2015, Huisman 1992). This variant is located in the HBB promoter in the CACCC box that promotes gene transcription, and functional assays indicate that this variant results in reduced transcriptional activity (Kircher 2019). This variant is reported in ClinVar (Variation ID: 36285), but is only observed on three alleles in the Genome Aggregation Database, indicating it is not a common polymorphism. Based on available information, this variant is considered pathogenic. References: Link to HbVar database: Coleman MB et al. The -87 (C----A) beta(+)-thalassemia mutation in a black family. Hemoglobin. 1992 16:399-401. PMID: 1428943. Danjou F et al. A genetic score for the prediction of beta-thalassemia severity. Haematologica. 2015 100:452-457. PMID: 25480500. Huisman TH. The beta- and delta-thalassemia repository. Hemoglobin. 1992 16:237-258. PMID: 1517101. Kircher M et al. Saturation mutagenesis of twenty disease-associated regulatory elements at single base-pair resolution. Nat Commun. 2019 10:3583. PMID: 31395865.

First Genomix Gene Laboratory, Genetic Diagnostics Department
Classification: Pathogenic for Beta-thalassemia HBB/LCRB. Last evaluated: 2025-04-08. Review status: criteria provided, single submitter. Criteria: ACMG Guidelines, 2015. Collection method: clinical testing. Allele origin: germline. Inheritance: Autosomal recessive inheritance. Affected: no. Observed: 1 variant allele.

Fulgent Genetics
Classification: Pathogenic for Heinz body anemia; Hereditary persistence of fetal hemoglobin; Dominant beta-thalassemia; Hb SS disease; Malaria, susceptibility to; Beta-thalassemia HBB/LCRB; METHEMOGLOBINEMIA, BETA TYPE; Erythrocytosis, familial, 6. Last evaluated: 2024-04-04. Review status: criteria provided, single submitter. Criteria: ACMG Guidelines, 2015. Collection method: clinical testing. Allele origin: germline.

Labcorp Genetics (formerly Invitae), Labcorp
Classification: Pathogenic. Last evaluated: 2024-01-02. Review status: criteria provided, single submitter. Criteria: Invitae Variant Classification Sherloc (09022015). Collection method: clinical testing. Allele origin: germline.
Comment: This variant occurs in a non-coding region of the HBB gene. It does not change the encoded amino acid sequence of the HBB protein. This variant is present in population databases (rs33941377, gnomAD 0.03%). This variant has been observed in individual(s) with beta-thalassemia (PMID: 1428943, 12779270, 24828949). In at least one individual the data is consistent with being in trans (on the opposite chromosome) from a pathogenic variant. This variant is also known as c.-87C>A. ClinVar contains an entry for this variant (Variation ID: 36285). Studies have shown that this variant alters HBB gene expression (PMID: 3457470). This variant disrupts the c.-137C nucleotide in the HBB gene. Other variant(s) that disrupt this nucleotide have been determined to be pathogenic (PMID: 2837728, 6188062). This suggests that this nucleotide is clinically significant, and that variants that disrupt this position are likely to be disease-causing. For these reasons, this variant has been classified as Pathogenic.

Women's Health and Genetics/Laboratory Corporation of America, LabCorp
Classification: Pathogenic for Beta thalassemia intermedia. Last evaluated: 2021-11-24. Review status: criteria provided, single submitter. Criteria: LabCorp Variant Classification Summary - May 2015. Collection method: clinical testing. Allele origin: germline.
Comment: Variant summary: HBB c.-137C>A is a conserved nucleotide located in the untranscribed region upstream of the HBB gene region in the CACCC functional element. The variant allele was found at a frequency of 9.6e-05 in 31398 control chromosomes (gnomAD). c.-137C>A has been reported in the literature in individuals affected with Beta Thalassemia Intermedia (e.g. Coleman_1992, Arpaci_2021) and in Beta-Thalassemia Major patients (e.g. Sirichotiyakul_2003). These data indicate that the variant may be associated with disease. At least one publication reports experimental evidence evaluating transcription levels, and showed the variant results in about 40% of normal activity (Myers_1986). In addition, other substitutions at the same nucleotide are known to be disease causing for BTHAL-intermedia (c.-137C>T and c.-137C>G). The C>T substitution results in a moderate reduction in transcription activity (Kulozik_1991), while the C>G substitution at the same nucleotide position showed significantly lower levels of RNA transcripts via RNA blotting and S1 Nuclease Mapping (Treisman_1983). Five ClinVar submitters (evaluation after 2014) cite the variant as Pathogenic/likely pathogenic. Based on the evidence outlined above, the variant was classified as pathogenic.

Revvity Omics, Revvity
Classification: Pathogenic. Last evaluated: 2020-11-27. Review status: criteria provided, single submitter. Criteria: ACMG Guidelines, 2015. Collection method: clinical testing. Allele origin: germline.

Fulgent Genetics
Classification: Pathogenic for Heinz body anemia; Hereditary persistence of fetal hemoglobin; Dominant beta-thalassemia; Hb SS disease; alpha Thalassemia; Malaria, susceptibility to; Beta-thalassemia HBB/LCRB; METHEMOGLOBINEMIA, BETA TYPE; Erythrocytosis, familial, 6. Last evaluated: 2018-10-31. Review status: criteria provided, single submitter. Criteria: ACMG Guidelines, 2015. Collection method: clinical testing. Allele origin: unknown.

Quest Diagnostics Nichols Institute San Juan Capistrano
Classification: Pathogenic. Last evaluated: 2017-04-20. Review status: criteria provided, single submitter. Criteria: Quest Diagnostics criteria. Collection method: clinical testing. Allele origin: germline.

Counsyl
Classification: Likely pathogenic for Beta-thalassemia HBB/LCRB. Last evaluated: 2018-04-09. Review status: no assertion criteria provided. Collection method: clinical testing. Allele origin: unknown. Not counted in ClinVar's aggregate classification.

GeneReviews
No classification provided. Condition: beta Thalassemia. Review status: no classification provided. Collection method: literature only. Allele origin: germline. Not counted in ClinVar's aggregate classification.

Literature cited by the submitters: PubMed 1428943 (cited by 4 submitters); PubMed 24828949 (cited by 3 submitters); PubMed 12779270 (cited by 4 submitters); PubMed 3457470 (cited by Labcorp Genetics (formerly Invitae), Labcorp and Women's Health and Genetics/Laboratory Corporation of America, LabCorp); PubMed 2837728 (cited by Labcorp Genetics (formerly Invitae), Labcorp); PubMed 6188062 (cited by Labcorp Genetics (formerly Invitae), Labcorp); PubMed 19460936 (cited by Women's Health and Genetics/Laboratory Corporation of America, LabCorp); PubMed 11857738 (cited by Women's Health and Genetics/Laboratory Corporation of America, LabCorp and Quest Diagnostics Nichols Institute San Juan Capistrano); PubMed 1814858 (cited by Women's Health and Genetics/Laboratory Corporation of America, LabCorp); PubMed 7632967 (cited by Women's Health and Genetics/Laboratory Corporation of America, LabCorp); PubMed 19437135 (cited by Women's Health and Genetics/Laboratory Corporation of America, LabCorp and Counsyl); PubMed 24450243 (cited by Women's Health and Genetics/Laboratory Corporation of America, LabCorp); PubMed 31395865 (cited by Women's Health and Genetics/Laboratory Corporation of America, LabCorp); PubMed 30309760 (cited by Women's Health and Genetics/Laboratory Corporation of America, LabCorp); PubMed 33851260 (cited by Women's Health and Genetics/Laboratory Corporation of America, LabCorp); PubMed 26901597 (cited by Quest Diagnostics Nichols Institute San Juan Capistrano); PubMed 28385923 (cited by Quest Diagnostics Nichols Institute San Juan Capistrano); NCBI Bookshelf NBK1426 (cited by GeneReviews).